The following is an entry in ClinVar:

NM_006180.6(NTRK2):c.2065G>C (p.Val689Leu)

Gene: NTRK2 (neurotrophic receptor tyrosine kinase 2; plus strand). Cytogenetic location: 9q21.33.
Variant type: single nucleotide variant.
Coding change: c.2065G>C on transcript NM_006180.6 (MANE Select); coding-DNA position 2065, G replaced by C.
Protein change: p.Val689Leu; replaces valine 689 with leucine.
Molecular consequence: missense variant.
Genome position (GRCh38, 1-based): chr9:84,955,410, G>C. VCF-style: chr9-84955410-G-C. GRCh37 (hg19) VCF-style: chr9-87570325-G-C.
Other names: c.2017G>C, p.Val673Leu (NM_001018064.3, NM_001369532.1, NM_001369533.1); c.1981G>C, p.Val661Leu (NM_001369534.1); c.1549G>C, p.Val517Leu (NM_001369535.1); c.1597G>C, p.Val533Leu (NM_001369536.1); short protein forms V661L, V689L, V517L, V533L, V673L.
Identifiers: ClinVar variation 1480509 (VCV001480509.6), dbSNP rs1823993486, ClinGen allele CA374010164.

ClinVar aggregate classification (germline): Uncertain significance (1 of 4 stars; one submission).

Allele frequency attached by ClinVar (database versions not stated): gnomAD exomes below 0.00001.
gnomAD v4.1: 1 of 1,614,234 alleles (0.000062%); highest among the groups gnomAD compares: Non-Finnish European, 0.000085%; no homozygotes.

Submission:

Labcorp Genetics (formerly Invitae), Labcorp
Classification: Uncertain significance. Last evaluated: 2024-10-15. Review status: criteria provided, single submitter. Criteria: Invitae Variant Classification Sherloc (09022015). Collection method: clinical testing. Allele origin: germline.
Comment: This sequence change replaces valine, which is neutral and non-polar, with leucine, which is neutral and non-polar, at codon 689 of the NTRK2 protein (p.Val689Leu). This variant is not present in population databases (gnomAD no frequency). This variant has not been reported in the literature in individuals affected with NTRK2-related conditions. ClinVar contains an entry for this variant (Variation ID: 1480509). Invitae Evidence Modeling of protein sequence and biophysical properties (such as structural, functional, and spatial information, amino acid conservation, physicochemical variation, residue mobility, and thermodynamic stability) has been performed for this missense variant. However, the output from this modeling did not meet the statistical confidence thresholds required to predict the impact of this variant on NTRK2 protein function. In summary, the available evidence is currently insufficient to determine the role of this variant in disease. Therefore, it has been classified as a Variant of Uncertain Significance.